The following is an entry in ClinVar:

ClinVar aggregate classification (germline): Uncertain significance. Review status: criteria provided, multiple submitters, no conflicts (2 of 4 stars). 3 submissions from 3 submitters: Uncertain significance (3). Last evaluated 2022-05-30.

Conditions:
Primary ciliary dyskinesia. Also called: Ciliary dyskinesia. Identifiers: Orphanet 244, MedGen C0008780, MONDO:0016575, HP:0012265.
Primary ciliary dyskinesia 15. Also called: CILIARY DYSKINESIA, PRIMARY, 15, WITH OR WITHOUT SITUS INVERSUS. Identifiers: Orphanet 244, MedGen C3151137, MONDO:0013435, OMIM 613808.

Allele frequency attached by ClinVar (database versions not stated): gnomAD exomes 0.00001; ExAC 0.00002; TOPMed 0.00002; gnomAD 0.00003.
gnomAD v4.1: 20 of 1,612,766 alleles (0.0012%); highest among the groups gnomAD compares: Non-Finnish European, 0.0015%; no homozygotes.

Submissions (3):

Labcorp Genetics (formerly Invitae), Labcorp
Classification: Uncertain significance for Primary ciliary dyskinesia. Last evaluated: 2022-05-30. Review status: criteria provided, single submitter. Criteria: Invitae Variant Classification Sherloc (09022015). Collection method: clinical testing. Allele origin: germline.
Comment: This sequence change replaces arginine, which is basic and polar, with histidine, which is basic and polar, at codon 509 of the CCDC40 protein (p.Arg509His). This variant is present in population databases (rs757879326, gnomAD 0.002%). This variant has not been reported in the literature in individuals affected with CCDC40-related conditions. ClinVar contains an entry for this variant (Variation ID: 325732). Algorithms developed to predict the effect of missense changes on protein structure and function are either unavailable or do not agree on the potential impact of this missense change (SIFT: "Tolerated"; PolyPhen-2: "Probably Damaging"; Align-GVGD: "Class C0"). In summary, the available evidence is currently insufficient to determine the role of this variant in disease. Therefore, it has been classified as a Variant of Uncertain Significance.

Illumina Laboratory Services, Illumina
Classification: Uncertain significance for Primary ciliary dyskinesia 15. Last evaluated: 2018-01-13. Review status: criteria provided, single submitter. Criteria: ICSL Variant Classification Criteria 13 December 2019. Collection method: clinical testing. Allele origin: germline.

Breakthrough Genomics
Classification: Uncertain significance. Review status: criteria provided, single submitter. Criteria: ACMG Guidelines, 2015. Collection method: not provided. Allele origin: germline. Inheritance: Autosomal recessive inheritance. Affected: yes.

NM_017950.4(CCDC40):c.1526G>A (p.Arg509His)

Gene: CCDC40 (coiled-coil domain 40 molecular ruler complex subunit; plus strand). Cytogenetic location: 17q25.3.
Variant type: single nucleotide variant.
Coding change: c.1526G>A on transcript NM_017950.4 (MANE Select); coding-DNA position 1526, G replaced by A.
Protein change: p.Arg509His; replaces arginine 509 with histidine.
Molecular consequence: missense variant.
Genome position (GRCh38, 1-based): chr17:80,065,570, G>A. VCF-style: chr17-80065570-G-A. GRCh37 (hg19) VCF-style: chr17-78039369-G-A.
Other names: c.1526G>A, p.Arg509His (NM_001243342.2, NM_001330508.2); short protein forms R509H.
Identifiers: ClinVar variation 325732 (VCV000325732.8), dbSNP rs757879326, ClinGen allele CA8813874.